The following is an entry in ClinVar:

NM_001253697.2(ERBIN):c.1973G>C (p.Cys658Ser)

Gene: ERBIN (erbb2 interacting protein; plus strand). Cytogenetic location: 5q12.3.
Variant type: single nucleotide variant.
Coding change: c.1973G>C on transcript NM_001253697.2 (MANE Select); coding-DNA position 1973, G replaced by C.
Protein change: p.Cys658Ser; replaces cysteine 658 with serine.
Molecular consequence: missense variant.
Genome position (GRCh38, 1-based): chr5:66,050,852, G>C. VCF-style: chr5-66050852-G-C. GRCh37 (hg19) VCF-style: chr5-65346680-G-C.
Other names: c.1973G>C, p.Cys658Ser (NM_001006600.3, NM_001253698.2, NM_001253699.2 and 1 more transcripts); c.1961G>C, p.Cys654Ser (NM_001253701.2); c.1973G>C (NM_018695.2); short protein forms C654S, C658S.
Identifiers: ClinVar variation 1394326 (VCV001394326.8), dbSNP rs769731098, ClinGen allele CA3286395.

ClinVar aggregate classification (germline): Uncertain significance. Review status: criteria provided, multiple submitters, no conflicts (2 of 4 stars). 2 submissions from 2 submitters: Uncertain significance (2). Last evaluated 2025-03-05.

Allele frequency attached by ClinVar (database versions not stated): ExAC 0.00002; gnomAD exomes 0.00002.
gnomAD v4.1: 7 of 1,601,828 alleles (0.00044%); highest among the groups gnomAD compares: Admixed American, 0.0087%; no homozygotes.

Submissions (2):

Labcorp Genetics (formerly Invitae), Labcorp
Classification: Uncertain significance. Last evaluated: 2025-03-05. Review status: criteria provided, single submitter. Criteria: Invitae Variant Classification Sherloc (09022015). Collection method: clinical testing. Allele origin: germline.
Comment: This sequence change replaces cysteine, which is neutral and slightly polar, with serine, which is neutral and polar, at codon 658 of the ERBIN protein (p.Cys658Ser). This variant is present in population databases (rs769731098, gnomAD 0.02%). This variant has not been reported in the literature in individuals affected with ERBIN-related conditions. ClinVar contains an entry for this variant (Variation ID: 1394326). An algorithm developed to predict the effect of missense changes on protein structure and function (PolyPhen-2) suggests that this variant is likely to be disruptive. In summary, the available evidence is currently insufficient to determine the role of this variant in disease. Therefore, it has been classified as a Variant of Uncertain Significance.

Ambry Genetics
Classification: Uncertain significance. Last evaluated: 2021-09-16. Review status: criteria provided, single submitter. Criteria: Ambry Variant Classification Scheme 2023. Collection method: clinical testing. Allele origin: germline.